The following is an entry in ClinVar:

NM_015072.5(TTLL5):c.2815G>A (p.Val939Ile)

Gene: TTLL5 (tubulin tyrosine ligase like 5; plus strand). Cytogenetic location: 14q24.3.
Variant type: single nucleotide variant.
Coding change: c.2815G>A on transcript NM_015072.5 (MANE Select); coding-DNA position 2815, G replaced by A.
Protein change: p.Val939Ile; replaces valine 939 with isoleucine.
Molecular consequence: missense variant.
Genome position (GRCh38, 1-based): chr14:75,783,359, G>A. VCF-style: chr14-75783359-G-A. GRCh37 (hg19) VCF-style: chr14-76249702-G-A.
Other names: short protein forms V939I.
Identifiers: ClinVar variation 937817 (VCV000937817.9), dbSNP rs200806918, ClinGen allele CA7279817.

ClinVar aggregate classification (germline): Uncertain significance (1 of 4 stars; one submission).

Allele frequency attached by ClinVar (database versions not stated): TOPMed 0.00003; gnomAD 0.00006; gnomAD exomes 0.00007 and 0.00010; ExAC 0.00008.
gnomAD v4.1: 145 of 1,614,014 alleles (0.009%); highest among the groups gnomAD compares: Non-Finnish European, 0.012%; no homozygotes.

Submission:

Labcorp Genetics (formerly Invitae), Labcorp
Classification: Uncertain significance. Last evaluated: 2025-03-31. Review status: criteria provided, single submitter. Criteria: Invitae Variant Classification Sherloc (09022015). Collection method: clinical testing. Allele origin: germline.
Comment: This sequence change replaces valine, which is neutral and non-polar, with isoleucine, which is neutral and non-polar, at codon 939 of the TTLL5 protein (p.Val939Ile). The frequency data for this variant in the population databases is considered unreliable, as metrics indicate poor data quality at this position in the gnomAD database. This variant has not been reported in the literature in individuals affected with TTLL5-related conditions. ClinVar contains an entry for this variant (Variation ID: 937817). Invitae Evidence Modeling of protein sequence and biophysical properties (such as structural, functional, and spatial information, amino acid conservation, physicochemical variation, residue mobility, and thermodynamic stability) indicates that this missense variant is not expected to disrupt TTLL5 protein function with a negative predictive value of 80%. In summary, the available evidence is currently insufficient to determine the role of this variant in disease. Therefore, it has been classified as a Variant of Uncertain Significance.